The following is an entry in ClinVar:

ClinVar aggregate classification (germline): Likely benign. Review status: criteria provided, multiple submitters, no conflicts (2 of 4 stars). 2 submissions from 2 submitters: Likely benign (2). Last evaluated 2026-04-01.

Allele frequency attached by ClinVar (database versions not stated): gnomAD 0.00006; TOPMed 0.00017; 1000 Genomes Project 0.00020; 1000 Genomes Project 30x 0.00031; ESP Exome Variant Server 0.00054.
gnomAD v4.1: 323 of 1,613,862 alleles (0.02%); highest among the groups gnomAD compares: Non-Finnish European, 0.025%; no homozygotes.

Submissions (2):

CeGaT Center for Human Genetics Tuebingen
Classification: Likely benign. Last evaluated: 2026-04-01. Review status: criteria provided, single submitter. Criteria: CeGaT Center For Human Genetics Tuebingen Variant Classification Criteria Version 2. Collection method: clinical testing. Allele origin: germline. Affected: yes. Observed: 1 variant allele.
Comment: EDNRA: BP4, BP7

Labcorp Genetics (formerly Invitae), Labcorp
Classification: Likely benign. Last evaluated: 2026-01-15. Review status: criteria provided, single submitter. Criteria: Invitae Variant Classification Sherloc (09022015). Collection method: clinical testing. Allele origin: germline.

NM_001957.4(EDNRA):c.828C>T (p.Thr276=)

Gene: EDNRA (endothelin receptor type A; plus strand). Cytogenetic location: 4q31.23.
Variant type: single nucleotide variant.
Coding change: c.828C>T on transcript NM_001957.4 (MANE Select); coding-DNA position 828, C replaced by T.
Protein change: p.Thr276=; no amino-acid change (threonine 276 retained).
Molecular consequence: synonymous variant. On other transcripts: non-coding transcript variant (3).
Genome position (GRCh38, 1-based): chr4:147,535,957, C>T. VCF-style: chr4-147535957-C-T. GRCh37 (hg19) VCF-style: chr4-148457109-C-T.
Other names: c.501C>T, p.Thr167= (NM_001166055.2).
Identifiers: ClinVar variation 728822 (VCV000728822.11), dbSNP rs140752065, ClinGen allele CA3097974.